The following is an entry in ClinVar:

NM_001031689.3(PLAA):c.340A>G (p.Thr114Ala)

Gene: PLAA (phospholipase A2 activating protein; minus strand). Cytogenetic location: 9p21.2.
Variant type: single nucleotide variant.
Coding change: c.340A>G on transcript NM_001031689.3 (MANE Select); coding-DNA position 340, A replaced by G.
Protein change: p.Thr114Ala; replaces threonine 114 with alanine.
Molecular consequence: missense variant.
Genome position (GRCh38, 1-based): chr9:26,935,016, T>C on the plus strand (A>G on the coding strand, the complement: PLAA is on the minus strand). VCF-style: chr9-26935016-T-C. GRCh37 (hg19) VCF-style: chr9-26935014-T-C.
Other names: c.340A>G, p.Thr114Ala (NM_001321546.2); c.340A>G (NM_001031689.2); short protein forms T114A.
Identifiers: ClinVar variation 1333483 (VCV001333483.4), dbSNP rs779454318, ClinGen allele CA5014678.
Genomic context (GRCh38, chr9:26,935,016, plus strand): 5'-TACTTTCAAAGGGATAAAACTTCAAATAGAAAAACACCAAAGCATTATTATACTCACCAG[T>C]ATTTTTGTGGCCTTTTAGAATATAAAGTGGCATTGGACTGTCCAGTGAGAAAATGCATAT-3'
Protein context (NP_001026859.1, residues 104-124): PLYILKGHKN[Thr114Ala]VCSLSSGKFG

ClinVar aggregate classification (germline): Uncertain significance. Review status: criteria provided, multiple submitters, no conflicts (2 of 4 stars). 3 submissions from 3 submitters: Uncertain significance (3). Last evaluated 2025-10-15.

Conditions:
Inborn genetic diseases. Identifiers: MedGen C0950123, MeSH D030342.
Neurodevelopmental disorder with progressive microcephaly, spasticity, and brain anomalies. Identifiers: Orphanet 521426, MedGen C4479631, MONDO:0060502, OMIM 617527.

Allele frequency attached by ClinVar (database versions not stated): gnomAD 0.00001; gnomAD exomes 0.00001; TOPMed below 0.00001; ExAC 0.00001.
gnomAD v4.1: 10 of 1,583,930 alleles (0.00063%); highest among the groups gnomAD compares: South Asian, 0.0082%; no homozygotes.

Submissions (3):

Ambry Genetics
Classification: Uncertain significance for Inborn genetic diseases. Last evaluated: 2025-10-15. Review status: criteria provided, single submitter. Criteria: Ambry Variant Classification Scheme 2023. Collection method: clinical testing. Allele origin: germline.

Labcorp Genetics (formerly Invitae), Labcorp
Classification: Uncertain significance. Last evaluated: 2022-08-15. Review status: criteria provided, single submitter. Criteria: Invitae Variant Classification Sherloc (09022015). Collection method: clinical testing. Allele origin: germline.
Comment: This sequence change replaces threonine, which is neutral and polar, with alanine, which is neutral and non-polar, at codon 114 of the PLAA protein (p.Thr114Ala). This variant is present in population databases (rs779454318, gnomAD 0.008%). This variant has not been reported in the literature in individuals affected with PLAA-related conditions. ClinVar contains an entry for this variant (Variation ID: 1333483). Algorithms developed to predict the effect of missense changes on protein structure and function output the following: SIFT: "Tolerated"; PolyPhen-2: "Benign"; Align-GVGD: "Class C0". The alanine amino acid residue is found in multiple mammalian species, which suggests that this missense change does not adversely affect protein function. In summary, the available evidence is currently insufficient to determine the role of this variant in disease. Therefore, it has been classified as a Variant of Uncertain Significance.

3billion
Classification: Uncertain significance for Neurodevelopmental disorder with progressive microcephaly, spasticity, and brain anomalies. Last evaluated: 2022-01-03. Review status: criteria provided, single submitter. Criteria: ACMG Guidelines, 2015. Collection method: clinical testing. Allele origin: germline. Affected: yes. Observed: 1 heterozygote.
Comment: The variant is observed at an extremely low frequency in the gnomAD v2.1.1 dataset (total allele frequency: 0.000009, PM2_M). In silico tool predictions suggest damaging effect of the variant on gene or gene product (3CNET: 0.956, PP3_P). A missense variant is a common mechanism associated with Neurodevelopmental disorder with progressive microcephaly (PP2_P). Therefore, this variant is classified as uncertain significance according to the recommendation of ACMG/AMP guideline.